The following is an entry in ClinVar:

ClinVar aggregate classification (germline): Benign. Review status: criteria provided, multiple submitters, no conflicts (2 of 4 stars). 2 submissions from 2 submitters: Benign (2). Last evaluated 2026-01-12.

Allele frequency attached by ClinVar (database versions not stated): gnomAD exomes 0.00334; ExAC 0.00394; gnomAD 0.01078; ESP Exome Variant Server 0.01340; TOPMed 0.01372; 1000 Genomes Project 0.01438; 1000 Genomes Project 30x 0.01515.
gnomAD v4.1: 3,180 of 1,496,250 alleles (0.21%); highest among the groups gnomAD compares: African/African-American, 4%; 67 homozygotes.

Submissions (2):

Labcorp Genetics (formerly Invitae), Labcorp
Classification: Benign. Last evaluated: 2026-01-12. Review status: criteria provided, single submitter. Criteria: Invitae Variant Classification Sherloc (09022015). Collection method: clinical testing. Allele origin: germline.

Mayo Clinic Laboratories, Mayo Clinic
Classification: Benign. Last evaluated: 2022-12-01. Review status: criteria provided, single submitter. Criteria: ACMG Guidelines, 2015. Collection method: clinical testing. Allele origin: germline. Observed: 3 variant alleles.
Comment: BS1, BS2, BP4, BP7

NM_173543.3(DZIP1L):c.1832+8C>A

Gene: DZIP1L (DAZ interacting zinc finger protein 1 like; minus strand). Cytogenetic location: 3q22.3.
Variant type: single nucleotide variant.
Coding change: c.1832+8C>A on transcript NM_173543.3 (MANE Select); 8 bases into the intron after coding-DNA position 1832, C replaced by A.
Molecular consequence: intron variant.
Genome position (GRCh38, 1-based): chr3:138,068,143, G>T on the plus strand (C>A on the coding strand, the complement: DZIP1L is on the minus strand). VCF-style: chr3-138068143-G-T. GRCh37 (hg19) VCF-style: chr3-137786985-G-T.
Other names: p.?.
Identifiers: ClinVar variation 709403 (VCV000709403.11), dbSNP rs116780404, ClinGen allele CA2634784.